The following is an entry in ClinVar:

NM_021267.5(CERS1):c.1030C>G (p.Leu344Val)

Genes: CERS1 (ceramide synthase 1; minus strand), GDF1 (growth differentiation factor 1; minus strand). Cytogenetic location: 19p13.11.
Variant type: single nucleotide variant.
Coding change: c.1030C>G on transcript NM_021267.5 (MANE Select); coding-DNA position 1030, C replaced by G.
Protein change: p.Leu344Val; replaces leucine 344 with valine.
Molecular consequence: missense variant. On other transcripts: 5 prime UTR variant (2).
Genome position (GRCh38, 1-based): chr19:18,870,600, G>C on the plus strand (C>G on the coding strand, the complement: CERS1 is on the minus strand). VCF-style: chr19-18870600-G-C. GRCh37 (hg19) VCF-style: chr19-18981409-G-C.
Other names: c.1030C>G, p.Leu344Val (NM_001387440.1); c.-293C>G (NM_001387438.1, NM_001492.6); short protein forms L344V.
Identifiers: ClinVar variation 1367221 (VCV001367221.8), dbSNP rs1488082332, ClinGen allele CA404864217.

ClinVar aggregate classification (germline): Uncertain significance (1 of 4 stars; one submission).

Conditions:
Progressive myoclonic epilepsy type 8. Identifiers: Orphanet 424027, MedGen C5190825, MONDO:0014545, OMIM 616230.

Allele frequency attached by ClinVar (database versions not stated): TOPMed below 0.00001; gnomAD 0.00001.

Submission:

Labcorp Genetics (formerly Invitae), Labcorp
Classification: Uncertain significance for Progressive myoclonic epilepsy type 8. Last evaluated: 2020-11-03. Review status: criteria provided, single submitter. Criteria: Invitae Variant Classification Sherloc (09022015). Collection method: clinical testing. Allele origin: germline.
Comment: In summary, the available evidence is currently insufficient to determine the role of this variant in disease. Therefore, it has been classified as a Variant of Uncertain Significance. Algorithms developed to predict the effect of missense changes on protein structure and function are either unavailable or do not agree on the potential impact of this missense change (SIFT: "Tolerated"; PolyPhen-2: "Not Available"; Align-GVGD: "Class C0"). This variant has not been reported in the literature in individuals with CERS1-related conditions. The frequency data for this variant in the population databases is considered unreliable, as metrics indicate insufficient coverage at this position in the ExAC database. This sequence change replaces leucine with valine at codon 344 of the CERS1 protein (p.Leu344Val). The leucine residue is moderately conserved and there is a small physicochemical difference between leucine and valine.